The following is an entry in ClinVar:

ClinVar aggregate classification (germline): Uncertain significance. Review status: criteria provided, multiple submitters, no conflicts (2 of 4 stars). 2 submissions from 2 submitters: Uncertain significance (2). Last evaluated 2022-08-18.

Conditions:
FG syndrome (FGS). Identifiers: MedGen C0220769, MONDO:0002010.

Allele frequency attached by ClinVar (database versions not stated): gnomAD exomes below 0.00001.
gnomAD v4.1: 5 of 1,209,979 alleles (0.00041%); highest among the groups gnomAD compares: Non-Finnish European, 0.00056%; no homozygotes.

Submissions (2):

GeneDx
Classification: Uncertain significance. Last evaluated: 2022-08-18. Review status: criteria provided, single submitter. Criteria: GeneDx Variant Classification Process June 2021. Collection method: clinical testing. Allele origin: germline. Affected: yes.
Comment: Not observed at significant frequency in large population cohorts (gnomAD); In silico analysis supports that this missense variant does not alter protein structure/function; Has not been previously reported as a pathogenic or benign germline variant to our knowledge; This variant is associated with the following publications: (PMID: 34355460)

Labcorp Genetics (formerly Invitae), Labcorp
Classification: Uncertain significance for FG syndrome. Last evaluated: 2022-07-15. Review status: criteria provided, single submitter. Criteria: Invitae Variant Classification Sherloc (09022015). Collection method: clinical testing. Allele origin: germline.
Comment: In summary, the available evidence is currently insufficient to determine the role of this variant in disease. Therefore, it has been classified as a Variant of Uncertain Significance. Algorithms developed to predict the effect of missense changes on protein structure and function are either unavailable or do not agree on the potential impact of this missense change (SIFT: "Deleterious"; PolyPhen-2: "Possibly Damaging"; Align-GVGD: "Class C0"). ClinVar contains an entry for this variant (Variation ID: 952835). This variant has not been reported in the literature in individuals affected with MED12-related conditions. This variant is not present in population databases (gnomAD no frequency). This sequence change replaces arginine, which is basic and polar, with histidine, which is basic and polar, at codon 1214 of the MED12 protein (p.Arg1214His).

NM_005120.3(MED12):c.3641G>A (p.Arg1214His)

Gene: MED12 (mediator complex subunit 12; plus strand). Cytogenetic location: Xq13.1.
Variant type: single nucleotide variant.
Coding change: c.3641G>A on transcript NM_005120.3 (MANE Select); coding-DNA position 3641, G replaced by A.
Protein change: p.Arg1214His; replaces arginine 1214 with histidine.
Molecular consequence: missense variant.
Genome position (GRCh38, 1-based): chrX:71,129,379, G>A. VCF-style: chrX-71129379-G-A. GRCh37 (hg19) VCF-style: chrX-70349229-G-A.
Other names: short protein forms R1214H.
Identifiers: ClinVar variation 952835 (VCV000952835.10), dbSNP rs2092311084, ClinGen allele CA413520296.